The following is an entry in ClinVar:

ClinVar aggregate classification (germline): Uncertain significance. Review status: criteria provided, multiple submitters, no conflicts (2 of 4 stars). 2 submissions from 2 submitters: Uncertain significance (2). Last evaluated 2023-11-06.

Conditions:
Inborn genetic diseases. Identifiers: MedGen C0950123, MeSH D030342.

Allele frequency attached by ClinVar (database versions not stated): gnomAD exomes below 0.00001; gnomAD 0.00001; TOPMed 0.00001.
gnomAD v4.1: 5 of 1,612,840 alleles (0.00031%); highest among the groups gnomAD compares: Admixed American, 0.0017%; no homozygotes.

Submissions (2):

Ambry Genetics
Classification: Uncertain significance for Inborn genetic diseases. Last evaluated: 2023-11-06. Review status: criteria provided, single submitter. Criteria: Ambry Variant Classification Scheme 2023. Collection method: clinical testing. Allele origin: germline.

Labcorp Genetics (formerly Invitae), Labcorp
Classification: Uncertain significance. Last evaluated: 2022-09-26. Review status: criteria provided, single submitter. Criteria: Invitae Variant Classification Sherloc (09022015). Collection method: clinical testing. Allele origin: germline.
Comment: This variant is not present in population databases (gnomAD no frequency). This sequence change replaces phenylalanine, which is neutral and non-polar, with serine, which is neutral and polar, at codon 359 of the RBP3 protein (p.Phe359Ser). This variant has not been reported in the literature in individuals affected with RBP3-related conditions. ClinVar contains an entry for this variant (Variation ID: 1043986). Algorithms developed to predict the effect of missense changes on protein structure and function are either unavailable or do not agree on the potential impact of this missense change (SIFT: "Deleterious"; PolyPhen-2: "Possibly Damaging"; Align-GVGD: "Class C0"). In summary, the available evidence is currently insufficient to determine the role of this variant in disease. Therefore, it has been classified as a Variant of Uncertain Significance.

NM_002900.3(RBP3):c.1076T>C (p.Phe359Ser)

Gene: RBP3 (retinol binding protein 3; plus strand). Cytogenetic location: 10q11.22.
Variant type: single nucleotide variant.
Coding change: c.1076T>C on transcript NM_002900.3 (MANE Select); coding-DNA position 1076, T replaced by C.
Protein change: p.Phe359Ser; replaces phenylalanine 359 with serine.
Molecular consequence: missense variant.
Genome position (GRCh38, 1-based): chr10:47,349,560, T>C. VCF-style: chr10-47349560-T-C. GRCh37 (hg19) VCF-style: chr10-48389802-A-G.
Other names: c.1076T>C (NM_002900.2); short protein forms F359S.
Identifiers: ClinVar variation 1043986 (VCV001043986.9), dbSNP rs1380418518, ClinGen allele CA376668359.